The following is an entry in ClinVar:

ClinVar aggregate classification (germline): Uncertain significance (1 of 4 stars; one submission).

Allele frequency attached by ClinVar (database versions not stated): gnomAD exomes below 0.00001; gnomAD 0.00001; TOPMed 0.00001.
gnomAD v4.1: 5 of 1,613,858 alleles (0.00031%); highest among the groups gnomAD compares: African/African-American, 0.004%; no homozygotes.

Submission:

Labcorp Genetics (formerly Invitae), Labcorp
Classification: Uncertain significance. Last evaluated: 2022-06-15. Review status: criteria provided, single submitter. Criteria: Invitae Variant Classification Sherloc (09022015). Collection method: clinical testing. Allele origin: germline.
Comment: In summary, the available evidence is currently insufficient to determine the role of this variant in disease. Therefore, it has been classified as a Variant of Uncertain Significance. Algorithms developed to predict the effect of missense changes on protein structure and function are either unavailable or do not agree on the potential impact of this missense change (SIFT: "Deleterious"; PolyPhen-2: "Benign"; Align-GVGD: "Class C0"). This variant has not been reported in the literature in individuals affected with DSG1-related conditions. This variant is not present in population databases (gnomAD no frequency). This sequence change replaces methionine, which is neutral and non-polar, with threonine, which is neutral and polar, at codon 362 of the DSG1 protein (p.Met362Thr).

NM_001942.4(DSG1):c.1085T>C (p.Met362Thr)

Gene: DSG1 (desmoglein 1; plus strand). Cytogenetic location: 18q12.1.
Variant type: single nucleotide variant.
Coding change: c.1085T>C on transcript NM_001942.4 (MANE Select); coding-DNA position 1085, T replaced by C.
Protein change: p.Met362Thr; replaces methionine 362 with threonine.
Molecular consequence: missense variant.
Genome position (GRCh38, 1-based): chr18:31,336,433, T>C. VCF-style: chr18-31336433-T-C. GRCh37 (hg19) VCF-style: chr18-28916396-T-C.
Other names: short protein forms M362T.
Identifiers: ClinVar variation 1957956 (VCV001957956.5), dbSNP rs1042409355, ClinGen allele CA297694934.